The following is an entry in ClinVar:

NM_001374736.1(DST):c.14495A>G (p.Glu4832Gly)

Gene: DST (dystonin; minus strand). Cytogenetic location: 6p12.1.
Variant type: single nucleotide variant.
Coding change: c.14495A>G on transcript NM_001374736.1 (MANE Select); coding-DNA position 14495, A replaced by G.
Protein change: p.Glu4832Gly; replaces glutamic acid 4832 with glycine.
Molecular consequence: missense variant.
Genome position (GRCh38, 1-based): chr6:56,557,464, T>C on the plus strand (A>G on the coding strand, the complement: DST is on the minus strand). VCF-style: chr6-56557464-T-C. GRCh37 (hg19) VCF-style: chr6-56422262-T-C.
Other names: c.8138A>G, p.Glu2713Gly (NM_001144769.5); c.7724A>G, p.Glu2575Gly (NM_001144770.2); c.14495A>G, p.Glu4832Gly (NM_001374722.1); c.13862A>G, p.Glu4621Gly (NM_001374729.1); c.7604A>G, p.Glu2535Gly (NM_001374730.1, NM_183380.4); c.14522A>G, p.Glu4841Gly (NM_001374734.1); c.6626A>G, p.Glu2209Gly (NM_015548.5); short protein forms E2209G, E2575G, E4621G, E4841G, E2713G, E4832G, E2535G.
Identifiers: ClinVar variation 809956 (VCV000809956.53), dbSNP rs201437391, ClinGen allele CA3867998.

ClinVar aggregate classification (germline): Likely benign. Review status: criteria provided, multiple submitters, no conflicts (2 of 4 stars). 5 submissions from 5 submitters: Likely benign (4). 1 of the submissions does not count toward it. Last evaluated 2026-09-01.

Conditions:
DST-related disorder. Also called: DST-related disorders; DST-related condition.
Inborn genetic diseases. Identifiers: MedGen C0950123, MeSH D030342.
Multiple sclerosis. Identifiers: MedGen C0026769, MONDO:0005301.
Epidermolysis bullosa simplex 3, localized or generalized intermediate, with BP230 deficiency (EBS3). Also called: Epidermolysis bullosa simplex due to BP230 deficiency; Epidermolysis bullosa simplex, autosomal recessive 2. Identifiers: Orphanet 412181, MedGen C3809470, MONDO:0014180, OMIM 615425.
Hereditary sensory and autonomic neuropathy type 6. Also called: HSAN VI; Neuropathy, hereditary sensory and autonomic, type VI. Identifiers: Orphanet 314381, MedGen C3539003, MONDO:0013839, OMIM 614653.

Allele frequency attached by ClinVar (database versions not stated): gnomAD 0.00008 and 0.00025; TOPMed 0.00010; gnomAD exomes 0.00054; ExAC 0.00063; 1000 Genomes Project 30x 0.00125; 1000 Genomes Project 0.00160.
gnomAD v4.1: 563 of 1,613,694 alleles (0.035%); highest among the groups gnomAD compares: South Asian, 0.42%; 2 homozygotes.

Submissions (5):

CeGaT Center for Human Genetics Tuebingen
Classification: Likely benign. Last evaluated: 2026-09-01. Review status: criteria provided, single submitter. Criteria: CeGaT Center For Human Genetics Tuebingen Variant Classification Criteria Version 2. Collection method: clinical testing. Allele origin: germline. Affected: yes. Observed: 2 variant alleles.
Comment: DST: BP4

Labcorp Genetics (formerly Invitae), Labcorp
Classification: Likely benign for Epidermolysis bullosa simplex 3, localized or generalized intermediate, with BP230 deficiency; Hereditary sensory and autonomic neuropathy type 6. Last evaluated: 2025-12-30. Review status: criteria provided, single submitter. Criteria: Invitae Variant Classification Sherloc (09022015). Collection method: clinical testing. Allele origin: germline.

PreventionGenetics, part of Exact Sciences
Classification: Likely benign for DST-related condition. Last evaluated: 2025-03-07. Review status: criteria provided, single submitter. Criteria: ACMG Guidelines, 2015. Collection method: clinical testing. Allele origin: germline.
Comment: This variant is classified as likely benign based on ACMG/AMP sequence variant interpretation guidelines (Richards et al. 2015 PMID: 25741868, with internal and published modifications).

Ambry Genetics
Classification: Likely benign for Inborn genetic diseases. Last evaluated: 2020-03-11. Review status: criteria provided, single submitter. Criteria: Ambry Variant Classification Scheme 2023. Collection method: clinical testing. Allele origin: germline.

Department of Molecular Biology and Genetics, Acibadem University
Classification: Likely pathogenic for Multiple sclerosis. Last evaluated: 2024-06-10. Review status: no assertion criteria provided. Collection method: research. Allele origin: germline. Affected: yes. Not counted in ClinVar's aggregate classification.